The following is an entry in ClinVar:

ClinVar aggregate classification (germline): Benign. Review status: criteria provided, multiple submitters, no conflicts (2 of 4 stars). 2 submissions from 2 submitters: Benign (2). Last evaluated 2018-06-14.

Allele frequency attached by ClinVar (database versions not stated): TOPMed 0.47471; gnomAD 0.48229 and 0.48648; 1000 Genomes Project 30x 0.48969; 1000 Genomes Project 0.49780; gnomAD exomes 0.52943.
gnomAD v4.1: 367,860 of 708,058 alleles (52%); highest among the groups gnomAD compares: East Asian, 55%; 97,099 homozygotes.

Submissions (2):

GeneDx
Classification: Benign. Last evaluated: 2018-06-14. Review status: criteria provided, single submitter. Criteria: GeneDx Variant Classification (06012015). Collection method: clinical testing. Allele origin: germline. Affected: yes.
Comment: This variant is considered likely benign or benign based on one or more of the following criteria: it is a conservative change, it occurs at a poorly conserved position in the protein, it is predicted to be benign by multiple in silico algorithms, and/or has population frequency not consistent with disease.

Breakthrough Genomics
Classification: Benign. Review status: criteria provided, single submitter. Criteria: ACMG Guidelines, 2015. Collection method: not provided. Allele origin: germline. Inheritance: Autosomal dominant inheritance. Affected: yes.

NM_001165963.4(SCN1A):c.965-113A>T

Gene: SCN1A (sodium voltage-gated channel alpha subunit 1; minus strand). Cytogenetic location: 2q24.3.
Variant type: single nucleotide variant.
Coding change: c.965-113A>T on transcript NM_001165963.4 (MANE Select); 113 bases into the intron before coding-DNA position 965, A replaced by T.
Molecular consequence: intron variant.
Genome position (GRCh38, 1-based): chr2:166,049,062, T>A on the plus strand (A>T on the coding strand, the complement: SCN1A is on the minus strand). VCF-style: chr2-166049062-T-A. GRCh37 (hg19) VCF-style: chr2-166905572-T-A.
Other names: c.965-113A>T (NM_001353949.2, NM_001353958.2, NM_001353950.2 and 10 more transcripts); c.-1461-113A>T (NM_001353961.2).
Identifiers: ClinVar variation 674939 (VCV000674939.2), dbSNP rs1542483, ClinGen allele CA59799771.